The following is an entry in ClinVar:

ClinVar aggregate classification (germline): Uncertain significance. Review status: criteria provided, multiple submitters, no conflicts (2 of 4 stars). 3 submissions from 3 submitters: Uncertain significance (3). Last evaluated 2026-02-20.

Conditions:
Pheochromocytoma/paraganglioma syndrome 5. Also called: Paragangliomas 5; SDHA-Related Hereditary Paraganglioma-Pheochromocytoma Syndrome. Identifiers: Orphanet 29072, MedGen C3279992, MONDO:0013602, OMIM 614165.
Mitochondrial complex II deficiency, nuclear type 1. Also called: SUCCINATE CoQ REDUCTASE DEFICIENCY. Identifiers: Orphanet 3208, MedGen C5700310, MONDO:0100294, OMIM 252011.
Dilated cardiomyopathy 1GG (CMD1GG). Identifiers: Orphanet 154, MedGen C3150898, MONDO:0013339, OMIM 613642.
Hereditary cancer-predisposing syndrome. Also called: Tumor predisposition; Hereditary neoplastic syndrome; Neoplastic Syndromes, Hereditary; Hereditary Cancer Syndrome. Identifiers: Orphanet 140162, MedGen C0027672, MeSH D009386, MONDO:0015356.

Allele frequency attached by ClinVar (database versions not stated): TOPMed 0.00001.

Submissions (3):

Ambry Genetics
Classification: Uncertain significance for Hereditary cancer-predisposing syndrome. Last evaluated: 2026-02-20. Review status: criteria provided, single submitter. Criteria: Ambry Variant Classification Scheme 2023. Collection method: clinical testing. Allele origin: germline.
Comment: The p.L74S variant (also known as c.221T>C), located in coding exon 3 of the SDHA gene, results from a T to C substitution at nucleotide position 221. The leucine at codon 74 is replaced by serine, an amino acid with dissimilar properties. This amino acid position is highly conserved in available vertebrate species. In addition, this alteration is predicted to be deleterious by in silico analysis. Based on the available evidence, the clinical significance of this variant remains unclear.

Labcorp Genetics (formerly Invitae), Labcorp
Classification: Uncertain significance for Pheochromocytoma/paraganglioma syndrome 5; Mitochondrial complex II deficiency, nuclear type 1. Last evaluated: 2024-11-26. Review status: criteria provided, single submitter. Criteria: Invitae Variant Classification Sherloc (09022015). Collection method: clinical testing. Allele origin: germline.
Comment: This sequence change replaces leucine, which is neutral and non-polar, with serine, which is neutral and polar, at codon 74 of the SDHA protein (p.Leu74Ser). This variant is not present in population databases (gnomAD no frequency). This variant has not been reported in the literature in individuals affected with SDHA-related conditions. ClinVar contains an entry for this variant (Variation ID: 846353). Invitae Evidence Modeling of protein sequence and biophysical properties (such as structural, functional, and spatial information, amino acid conservation, physicochemical variation, residue mobility, and thermodynamic stability) has been performed for this missense variant. However, the output from this modeling did not meet the statistical confidence thresholds required to predict the impact of this variant on SDHA protein function. In summary, the available evidence is currently insufficient to determine the role of this variant in disease. Therefore, it has been classified as a Variant of Uncertain Significance.

Baylor Genetics
Classification: Uncertain significance for Dilated cardiomyopathy 1GG. Last evaluated: 2024-03-19. Review status: criteria provided, single submitter. Criteria: ACMG Guidelines, 2015. Collection method: clinical testing. Allele origin: unknown.

NM_004168.4(SDHA):c.221T>C (p.Leu74Ser)

Gene: SDHA (succinate dehydrogenase complex flavoprotein subunit A; plus strand). Cytogenetic location: 5p15.33.
Variant type: single nucleotide variant.
Coding change: c.221T>C on transcript NM_004168.4 (MANE Select); coding-DNA position 221, T replaced by C.
Protein change: p.Leu74Ser; replaces leucine 74 with serine.
Molecular consequence: missense variant.
Genome position (GRCh38, 1-based): chr5:224,430, T>C. VCF-style: chr5-224430-T-C. GRCh37 (hg19) VCF-style: chr5-224545-T-C.
Other names: c.221T>C, p.Leu74Ser (NM_001294332.2, NM_001330758.2); c.221T>C (NM_004168.2); short protein forms L74S.
Identifiers: ClinVar variation 846353 (VCV000846353.12), dbSNP rs763220651, ClinGen allele CA359008514.